The following is an entry in ClinVar:

ClinVar aggregate classification (germline): Uncertain significance. Review status: criteria provided, multiple submitters, no conflicts (2 of 4 stars). 3 submissions from 3 submitters: Uncertain significance (3). Last evaluated 2025-12-02.

Conditions:
Oligodontia-cancer predisposition syndrome. Also called: TOOTH AGENESIS-COLORECTAL CANCER SYNDROME. Identifiers: Orphanet 300576, MedGen C1837750, MONDO:0012075, OMIM 608615. Disease mechanism: loss of function.
Hereditary cancer-predisposing syndrome. Also called: Tumor predisposition; Hereditary neoplastic syndrome; Neoplastic Syndromes, Hereditary; Hereditary Cancer Syndrome. Identifiers: Orphanet 140162, MedGen C0027672, MeSH D009386, MONDO:0015356.

Submissions (3):

Ambry Genetics
Classification: Uncertain significance for Hereditary cancer-predisposing syndrome. Last evaluated: 2025-12-02. Review status: criteria provided, single submitter. Criteria: Ambry Variant Classification Scheme 2023. Collection method: clinical testing. Allele origin: germline.
Comment: The p.P683S variant (also known as c.2047C>T), located in coding exon 7 of the AXIN2 gene, results from a C to T substitution at nucleotide position 2047. The proline at codon 683 is replaced by serine, an amino acid with similar properties. This amino acid position is conserved. In addition, this alteration is predicted to be tolerated by in silico analysis. Based on the available evidence, the clinical significance of this variant remains unclear.

Center for Genomic Medicine, Rigshospitalet, Copenhagen University Hospital
Classification: Uncertain significance. Last evaluated: 2025-03-04. Review status: criteria provided, single submitter. Criteria: ACMG Guidelines, 2015. Collection method: clinical testing. Allele origin: germline.

Labcorp Genetics (formerly Invitae), Labcorp
Classification: Uncertain significance for Oligodontia-cancer predisposition syndrome. Last evaluated: 2022-02-28. Review status: criteria provided, single submitter. Criteria: Invitae Variant Classification Sherloc (09022015). Collection method: clinical testing. Allele origin: germline.
Comment: In summary, the available evidence is currently insufficient to determine the role of this variant in disease. Therefore, it has been classified as a Variant of Uncertain Significance. Algorithms developed to predict the effect of missense changes on protein structure and function output the following: SIFT: "Tolerated"; PolyPhen-2: "Benign"; Align-GVGD: "Class C0". The serine amino acid residue is found in multiple mammalian species, which suggests that this missense change does not adversely affect protein function. ClinVar contains an entry for this variant (Variation ID: 665879). This variant has not been reported in the literature in individuals affected with AXIN2-related conditions. This variant is not present in population databases (gnomAD no frequency). This sequence change replaces proline, which is neutral and non-polar, with serine, which is neutral and polar, at codon 683 of the AXIN2 protein (p.Pro683Ser).

NM_004655.4(AXIN2):c.2047C>T (p.Pro683Ser)

Gene: AXIN2 (axin 2; minus strand). Cytogenetic location: 17q24.1.
Variant type: single nucleotide variant.
Coding change: c.2047C>T on transcript NM_004655.4 (MANE Select); coding-DNA position 2047, C replaced by T.
Protein change: p.Pro683Ser; replaces proline 683 with serine.
Molecular consequence: missense variant.
Genome position (GRCh38, 1-based): chr17:65,536,414, G>A on the plus strand (C>T on the coding strand, the complement: AXIN2 is on the minus strand). VCF-style: chr17-65536414-G-A. GRCh37 (hg19) VCF-style: chr17-63532532-G-A.
Other names: c.2047C>T (LRG_296t1); c.1852C>T, p.Pro618Ser (NM_001363813.1); short protein forms P618S, P683S.
Identifiers: ClinVar variation 665879 (VCV000665879.13), dbSNP rs1598096797, ClinGen allele CA400676091.